The following is an entry in ClinVar:

ClinVar aggregate classification (germline): Pathogenic. Review status: criteria provided, multiple submitters, no conflicts (2 of 4 stars). 13 submissions from 13 submitters: Pathogenic (10). 3 of the submissions do not count toward it. Last evaluated 2025-10-23.

Conditions:
Hereditary cancer-predisposing syndrome. Also called: Tumor predisposition; Neoplastic Syndromes, Hereditary; Hereditary Cancer Syndrome; Hereditary neoplastic syndrome. Identifiers: Orphanet 140162, MedGen C0027672, MeSH D009386, MONDO:0015356.
Familial cancer of breast. Also called: BREAST CANCER, FAMILIAL; hereditary breast carcinoma; Hereditary breast cancer. Identifiers: Orphanet 227535, MedGen C0346153, MONDO:0016419, OMIM 114480. Disease mechanism: loss of function.
Ataxia-telangiectasia syndrome (AT). Also called: Ataxia-telangiectasia; Ataxia-telangiectasia, complementation group D; AT, COMPLEMENTATION GROUP C; LOUIS-BAR SYNDROME; Cerebello-oculocutaneous telangiectasia; Immunodeficiency with ataxia telangiectasia. Identifiers: Orphanet 100, MedGen C0004135, MONDO:0008840, OMIM 208900.
Malignant tumor of breast. Also called: Malignant breast neoplasm; Cancer breast. Identifiers: MedGen C0006142, MONDO:0007254. Disease mechanism: loss of function.

Submissions (13):

Labcorp Genetics (formerly Invitae), Labcorp
Classification: Pathogenic for Ataxia-telangiectasia syndrome. Last evaluated: 2025-10-23. Review status: criteria provided, single submitter. Criteria: Invitae Variant Classification Sherloc (09022015). Collection method: clinical testing. Allele origin: germline.
Comment: This sequence change creates a premature translational stop signal (p.Asn405Lysfs*15) in the ATM gene. It is expected to result in an absent or disrupted protein product. Loss-of-function variants in ATM are known to be pathogenic (PMID: 23807571, 25614872). This variant is not present in population databases (gnomAD no frequency). This premature translational stop signal has been observed in individual(s) with ataxia-telangiectasia and/or breast cancer (PMID: 16387360, 25452441). ClinVar contains an entry for this variant (Variation ID: 487449). For these reasons, this variant has been classified as Pathogenic.

GeneKor MSA
Classification: Pathogenic for Hereditary cancer-predisposing syndrome. Last evaluated: 2025-06-25. Review status: criteria provided, single submitter. Criteria: ACMG Guidelines, 2015. Collection method: clinical testing. Allele origin: germline. Affected: yes.
Comment: This variant is a single base deletion at nucleotide position 1215 of the ATM gene, causing a translational frameshift with a predicted alternate stop codon after 15 nucleotide residues p.(Asn405Lysfs*15). This results in the production of a truncated, non-functional protein. Loss-of-function variants in ATM are known to be pathogenic (PMID:23807571, 25614872). This variant is not present in population databases (rs1555069815) and ClinVar contain entries for this variant (VCV000487449.34). Based on the classification criteria set by the ACMG and AMP (PMID:25741868) this variant has been classified as likely pathogenic.

Color Diagnostics, LLC DBA Color Health
Classification: Pathogenic for Hereditary cancer-predisposing syndrome. Last evaluated: 2024-06-12. Review status: criteria provided, single submitter. Criteria: ACMG Guidelines, 2015. Collection method: clinical testing. Allele origin: germline.
Comment: This variant deletes 1 nucleotide in exon 9 of the ATM gene, creating a frameshift and premature translation stop signal. This variant is expected to result in an absent or non-functional protein product. This variant has been reported in individuals affected with breast cancer (PMID: 25452441, 29335925). This variant has not been identified in the general population by the Genome Aggregation Database (gnomAD). Loss of ATM function is a known mechanism of disease. Based on the available evidence, this variant is classified as Pathogenic.

Myriad Genetics, Inc.
Classification: Pathogenic for Familial cancer of breast. Last evaluated: 2024-01-12. Review status: criteria provided, single submitter. Criteria: Myriad Autosomal Dominant, Autosomal Recessive and X-Linked Classification Criteria (2023). Collection method: clinical testing. Allele origin: unknown.
Comment: This variant is considered pathogenic. This variant creates a frameshift predicted to result in premature protein truncation.

Ambry Genetics
Classification: Pathogenic for Hereditary cancer-predisposing syndrome. Last evaluated: 2023-06-18. Review status: criteria provided, single submitter. Criteria: Ambry Variant Classification Scheme 2023. Collection method: clinical testing. Allele origin: germline.
Comment: The c.1215delT pathogenic mutation, located in coding exon 8 of the ATM gene, results from a deletion of one nucleotide at nucleotide position 1215, causing a translational frameshift with a predicted alternate stop codon (p.N405Kfs*15). This mutation has been reported in both female and male breast cancer cohorts, and in a proband with mantle cell lymphoma who had three siblings with ataxia-telangiectasia (compound heterozygous with another ATM mutation) (Briani C et al. Leuk. Res. 2006 Sep;30(9):1193-6; Couch FJ et al. J. Clin. Oncol. 2015 Feb;33(4):304-11; Fostira F et al. Breast Cancer Res. Treat. 2018 May;169(1):105-113). This alteration is expected to result in loss of function by premature protein truncation or nonsense-mediated mRNA decay. As such, this alteration is interpreted as a disease-causing mutation.

Clinical Genetics Laboratory, Skane University Hospital Lund
Classification: Pathogenic. Last evaluated: 2022-05-27. Review status: criteria provided, single submitter. Criteria: ACMG Guidelines, 2015. Collection method: clinical testing. Allele origin: germline. Affected: yes.

Victorian Clinical Genetics Services, Murdoch Childrens Research Institute
Classification: Pathogenic for Ataxia-telangiectasia syndrome. Last evaluated: 2022-02-02. Review status: criteria provided, single submitter. Criteria: ACMG Guidelines, 2015. Collection method: clinical testing. Allele origin: germline. Inheritance: Autosomal recessive inheritance.
Comment: Based on the classification scheme VCGS_Germline_v1.3.4, this variant is classified as Pathogenic. Following criteria are met: 0102 - Loss of function is a known mechanism of disease in this gene and is associated with ataxia-telangiectasia (AT; MIM#208900) and cancer susceptibility (MIM#114480). (I) 0106 - This gene is associated with autosomal recessive ataxia-telangiectasia. However, heterozygous carriers of specific pathogenic variants have an increased risk of breast cancer (PMID: 27595995). Germline variants in this gene may also contribute to increased risk of other cancers including gastic, colorectal, and pancreatic cancers, however the risk is not well established at this stage (PMID: 22585167, 27978560, 26506520). (I) 0115 - Variants in this gene are known to have variable expressivity with regard to ataxia-telangiectasia. Variable age of onset and rate of disease progression have been reported for affected individuals within the same family (PMIDs: 20301790, 27884168). (I) 0201 - Variant is predicted to cause nonsense-mediated decay (NMD) and loss of protein (premature termination codon is located at least 54 nucleotides upstream of the final exon-exon junction). (SP) 0251 - This variant is heterozygous. (I) 0301 - Variant is absent from gnomAD (both v2 and v3). (SP) 0701 - Other NMD-predicted variants comparable to the one identified in this case have very strong previous evidence for pathogenicity. These variants have been reported many times as pathogenic (DECIPHER). (SP) 0801 - This variant has strong previous evidence of pathogenicity in unrelated individuals. This variant has been reported multiple times as likely pathogenic or pathogenic, and reported in heterozygous individuals with breast cancer, or compound heterozygous individuals with ataxia-telangiectasia (ClinVar). (I) Legend: (SP) - Supporting pathogenic, (I) - Information, (SB) - Supporting benign

Baylor Genetics
Classification: Pathogenic for Familial cancer of breast. Last evaluated: 2021-05-04. Review status: criteria provided, single submitter. Criteria: ACMG Guidelines, 2015. Collection method: clinical testing. Allele origin: unknown.

GeneDx
Classification: Pathogenic. Last evaluated: 2020-10-08. Review status: criteria provided, single submitter. Criteria: GeneDx Variant Classification Process June 2021. Collection method: clinical testing. Allele origin: germline. Affected: yes.
Comment: Frameshift variant predicted to result in protein truncation or nonsense mediated decay in a gene for which loss-of-function is a known mechanism of disease; Not observed in large population cohorts (Lek 2016); Observed in individuals with a personal or family history including breast cancer (Couch 2015, Fostira 2018); Observed in a patient with ataxia telangiectasia who carried a second ATM variant, phase not determined, and who had very low ATM protein levels (Nahas 2009); This variant is associated with the following publications: (PMID: 16387360, 25452441, 19147735, 29335925, 32885271)

Center for Human Genetics, Inc
Classification: Pathogenic for Familial cancer of breast. Last evaluated: 2016-11-01. Review status: criteria provided, single submitter. Criteria: ACMG Guidelines, 2015. Collection method: clinical testing. Allele origin: germline. Affected: yes.

Natera, Inc.
Classification: Pathogenic for Ataxia-telangiectasia. Last evaluated: 2021-01-29. Review status: no assertion criteria provided. Collection method: clinical testing. Allele origin: germline. Not counted in ClinVar's aggregate classification.

Counsyl
Classification: Likely pathogenic for Ataxia-telangiectasia syndrome. Last evaluated: 2017-02-03. Review status: no assertion criteria provided. Collection method: clinical testing. Allele origin: unknown. Not counted in ClinVar's aggregate classification.

Department of Pathology and Laboratory Medicine, Sinai Health System
Classification: Likely pathogenic for Malignant tumor of breast. Review status: no assertion criteria provided. Collection method: clinical testing. Allele origin: unknown. Affected: yes. Study: The Canadian Open Genetics Repository (COGR). Not counted in ClinVar's aggregate classification.
Comment: The variant was identified in ClinVar (classified as likely pathogenic by Counsyl), and Clinvitae. The variant was not identified in dbSNP, COGR, Cosmic, LOVD 3.0, or ATM-LOVD databases. The variant was not identified in the following control databases: the 1000 Genomes Project, the NHLBI GO Exome Sequencing Project, the Exome Aggregation Consortium (August 8th 2016), or the Genome Aggregation Database (Feb 27, 2017). The p.Asn405LysfsX15 variant is predicted to cause a frameshift, which alters the protein's amino acid sequence beginning at codon 405 and leads to a premature stop codon at position 419. This alteration is then predicted to result in a truncated or absent protein and loss of function. Loss of function variants of the ATM gene are an established mechanism of disease in ATM associated cancers and is the type of variant expected to cause the disorder. In summary, based on the above information the clinical significance of this variant cannot be determined with certainty at this time although we would lean towards a more pathogenic role for this variant. This variant is classified as likely pathogenic.

Literature cited by the submitters: PubMed 23807571 (cited by Labcorp Genetics (formerly Invitae), Labcorp and GeneKor MSA); PubMed 25614872 (cited by Labcorp Genetics (formerly Invitae), Labcorp and GeneKor MSA); PubMed 16387360 (cited by Labcorp Genetics (formerly Invitae), Labcorp and Counsyl); PubMed 25452441 (cited by Labcorp Genetics (formerly Invitae), Labcorp and Color Diagnostics, LLC DBA Color Health); PubMed 29335925 (cited by Color Diagnostics, LLC DBA Color Health); PubMed 20301790 (cited by Victorian Clinical Genetics Services, Murdoch Childrens Research Institute); PubMed 22585167 (cited by Victorian Clinical Genetics Services, Murdoch Childrens Research Institute); PubMed 26506520 (cited by Victorian Clinical Genetics Services, Murdoch Childrens Research Institute); PubMed 27595995 (cited by Victorian Clinical Genetics Services, Murdoch Childrens Research Institute); PubMed 27884168 (cited by Victorian Clinical Genetics Services, Murdoch Childrens Research Institute); PubMed 27978560 (cited by Victorian Clinical Genetics Services, Murdoch Childrens Research Institute); PubMed 19147735 (cited by Counsyl).

NM_000051.4(ATM):c.1215del (p.Asn405fs)

Gene: ATM (ATM serine/threonine kinase; plus strand). Cytogenetic location: 11q22.3.
Variant type: Deletion.
Coding change: c.1215del on transcript NM_000051.4 (MANE Select); coding-DNA position 1215, one base deleted (T; older notation c.1215delT).
Protein change: p.Asn405fs; shifts the reading frame from asparagine 405.
Molecular consequence: frameshift variant.
Genome position (GRCh38, 1-based): chr11:108,249,082, T deleted. VCF-style (leftmost placement, unchanged base first): chr11-108249081-AT-A. GRCh37 (hg19) VCF-style: chr11-108119808-AT-A.
Other names: c.1215delT (NM_000051.3); c.1215del, p.Asn405fs (NM_001351834.2); short protein forms N405fs.
Identifiers: ClinVar variation 487449 (VCV000487449.36), dbSNP rs1555069815, ClinGen allele CA658656221.